The following is an entry in ClinVar:

NM_004727.3(SLC24A1):c.252C>T (p.Ser84=)

Gene: SLC24A1 (solute carrier family 24 member 1; plus strand). Cytogenetic location: 15q22.31.
Variant type: single nucleotide variant.
Coding change: c.252C>T on transcript NM_004727.3 (MANE Select); coding-DNA position 252, C replaced by T.
Protein change: p.Ser84=; no amino-acid change (serine 84 retained).
Molecular consequence: synonymous variant.
Genome position (GRCh38, 1-based): chr15:65,624,332, C>T. VCF-style: chr15-65624332-C-T. GRCh37 (hg19) VCF-style: chr15-65916670-C-T.
Other names: c.252C>T (NM_004727.2); c.252C>T, p.Ser84= (NM_001301031.1, NM_001301032.1, NM_001301033.2).
Identifiers: ClinVar variation 1158297 (VCV001158297.11), dbSNP rs374914977, ClinGen allele CA7619719.

ClinVar aggregate classification (germline): Likely benign. Review status: criteria provided, multiple submitters, no conflicts (2 of 4 stars). 3 submissions from 3 submitters: Likely benign (3). Last evaluated 2026-08-02.

Conditions:
SLC24A1-related disorder. Also called: SLC24A1-related condition.

Allele frequency attached by ClinVar (database versions not stated): gnomAD 0.00004; gnomAD exomes 0.00004 and 0.00009; TOPMed 0.00005; ExAC 0.00011; ESP Exome Variant Server 0.00024.
gnomAD v4.1: 66 of 1,613,524 alleles (0.0041%); highest among the groups gnomAD compares: East Asian, 0.025%; no homozygotes.

Submissions (3):

PreventionGenetics, part of Exact Sciences
Classification: Likely benign for SLC24A1-related condition. Last evaluated: 2026-08-02. Review status: criteria provided, single submitter. Criteria: ACMG Guidelines, 2015. Collection method: clinical testing. Allele origin: germline.
Comment: This variant is classified as likely benign based on ACMG/AMP sequence variant interpretation guidelines (Richards et al. 2015 PMID: 25741868, with internal and published modifications).

Labcorp Genetics (formerly Invitae), Labcorp
Classification: Likely benign. Last evaluated: 2025-12-06. Review status: criteria provided, single submitter. Criteria: Invitae Variant Classification Sherloc (09022015). Collection method: clinical testing. Allele origin: germline.

Blueprint Genetics
Classification: Likely benign. Last evaluated: 2022-11-09. Review status: criteria provided, single submitter. Criteria: ACMG Guidelines, 2015. Collection method: clinical testing. Allele origin: germline.